The following is an entry in ClinVar:

ClinVar aggregate classification (germline): Uncertain significance (1 of 4 stars; one submission).

Submission:

Labcorp Genetics (formerly Invitae), Labcorp
Classification: Uncertain significance. Last evaluated: 2025-08-18. Review status: criteria provided, single submitter. Criteria: Invitae Variant Classification Sherloc (09022015). Collection method: clinical testing. Allele origin: germline.
Comment: This sequence change replaces leucine, which is neutral and non-polar, with proline, which is neutral and non-polar, at codon 261 of the CARD8 protein (p.Leu261Pro). This variant is not present in population databases (gnomAD no frequency). This variant has not been reported in the literature in individuals affected with CARD8-related conditions. An algorithm developed to predict the effect of missense changes on protein structure and function (PolyPhen-2) suggests that this variant is likely to be disruptive. In summary, the available evidence is currently insufficient to determine the role of this variant in disease. Therefore, it has been classified as a Variant of Uncertain Significance.

NM_001184900.3(CARD8):c.932T>C (p.Leu311Pro)

Gene: CARD8 (caspase recruitment domain family member 8; minus strand). Cytogenetic location: 19q13.33.
Variant type: single nucleotide variant.
Coding change: c.932T>C on transcript NM_001184900.3 (MANE Select); coding-DNA position 932, T replaced by C.
Protein change: p.Leu311Pro; replaces leucine 311 with proline.
Molecular consequence: missense variant. On other transcripts: non-coding transcript variant (4).
Genome position (GRCh38, 1-based): chr19:48,230,541, A>G on the plus strand (T>C on the coding strand, the complement: CARD8 is on the minus strand). VCF-style: chr19-48230541-A-G. GRCh37 (hg19) VCF-style: chr19-48733798-A-G.
Other names: c.782T>C, p.Leu261Pro (NM_001184901.1, NM_001351783.2, NM_001351788.2 and 2 more transcripts); c.932T>C, p.Leu311Pro (NM_001184902.2, NM_001184903.1, NM_001351782.2); c.617T>C, p.Leu206Pro (NM_001351784.2, NM_001351787.2, NM_001351791.2 and 1 more transcripts); c.596T>C, p.Leu199Pro (NM_001351786.2); c.689T>C, p.Leu230Pro (NM_001351790.2); c.614T>C, p.Leu205Pro (NM_001365950.1); short protein forms L199P, L230P, L261P, L205P, L311P, L206P.
Identifiers: ClinVar variation 4725661 (VCV004725661.1).